The following is an entry in ClinVar:

NM_013275.6(ANKRD11):c.6369C>T (p.Ala2123=)

Gene: ANKRD11 (ankyrin repeat domain 11; minus strand). Cytogenetic location: 16q24.3.
Variant type: single nucleotide variant.
Coding change: c.6369C>T on transcript NM_013275.6 (MANE Select); coding-DNA position 6369, C replaced by T.
Protein change: p.Ala2123=; no amino-acid change (alanine 2123 retained).
Molecular consequence: synonymous variant.
Genome position (GRCh38, 1-based): chr16:89,280,173, G>A on the plus strand (C>T on the coding strand, the complement: ANKRD11 is on the minus strand). VCF-style: chr16-89280173-G-A. GRCh37 (hg19) VCF-style: chr16-89346581-G-A.
Other names: c.6369C>T, p.Ala2123= (NM_001256182.2, NM_001256183.2).
Identifiers: ClinVar variation 1675648 (VCV001675648.33), dbSNP rs779761433, ClinGen allele CA8241479.

ClinVar aggregate classification (germline): Likely benign (1 of 4 stars; one submission).

Allele frequency attached by ClinVar (database versions not stated): ExAC 0.00001; gnomAD 0.00002; gnomAD exomes 0.00003.
gnomAD v4.1: 32 of 1,609,478 alleles (0.002%); highest among the groups gnomAD compares: Non-Finnish European, 0.0025%; no homozygotes.

Submission:

CeGaT Center for Human Genetics Tuebingen
Classification: Likely benign. Last evaluated: 2026-04-01. Review status: criteria provided, single submitter. Criteria: CeGaT Center For Human Genetics Tuebingen Variant Classification Criteria Version 2. Collection method: clinical testing. Allele origin: germline. Affected: yes. Observed: 2 variant alleles.
Comment: ANKRD11: BP4, BP7